The following is an entry in ClinVar:

NM_000350.3(ABCA4):c.982G>T (p.Glu328Ter)

Gene: ABCA4 (ATP binding cassette subfamily A member 4; minus strand). Cytogenetic location: 1p22.1.
Variant type: single nucleotide variant.
Coding change: c.982G>T on transcript NM_000350.3 (MANE Select); coding-DNA position 982, G replaced by T.
Protein change: p.Glu328Ter; replaces glutamic acid 328 with a stop codon.
Molecular consequence: nonsense.
Genome position (GRCh38, 1-based): chr1:94,080,595, C>A on the plus strand (G>T on the coding strand, the complement: ABCA4 is on the minus strand). VCF-style: chr1-94080595-C-A. GRCh37 (hg19) VCF-style: chr1-94546151-C-A.
Other names: c.982G>T, p.Glu328Ter (NM_001425324.1); short protein forms E328*.
Identifiers: ClinVar variation 99517 (VCV000099517.10), dbSNP rs61751418, ClinGen allele CA227475.

ClinVar aggregate classification (germline): Pathogenic. Review status: criteria provided, multiple submitters, no conflicts (2 of 4 stars). 4 submissions from 4 submitters: Pathogenic (3). 1 of the submissions does not count toward it. Last evaluated 2023-07-30.

Conditions:
ABCA4-related disorder. Also called: ABCA4-related condition; ABCA4-related disorders. Identifiers: MedGen CN239167.
Severe early-childhood-onset retinal dystrophy (STGD1). Also called: MACULAR DYSTROPHY WITH FLECKS, TYPE 1; STGD; Stargardt disease 1; Stargardt macular dystrophy; Juvenile onset macular degeneration. Identifiers: Orphanet 364055, Orphanet 827, MedGen C1855465, MeSH D000080362, MONDO:0009549, OMIM 248200.

gnomAD v4.1: 1 of 1,614,138 alleles (0.000062%); highest among the groups gnomAD compares: Non-Finnish European, 0.000085%; no homozygotes.

Submissions (4):

Labcorp Genetics (formerly Invitae), Labcorp
Classification: Pathogenic. Last evaluated: 2023-07-30. Review status: criteria provided, single submitter. Criteria: Invitae Variant Classification Sherloc (09022015). Collection method: clinical testing. Allele origin: germline.
Comment: This premature translational stop signal has been observed in individual(s) with cone-rod dystrophy and/or Stargardt disease (PMID: 23755871, 28365912, 32619608). For these reasons, this variant has been classified as Pathogenic. Algorithms developed to predict the effect of sequence changes on RNA splicing suggest that this variant may create or strengthen a splice site. ClinVar contains an entry for this variant (Variation ID: 99517). This variant is present in population databases (rs61751418, gnomAD 0.0009%). This sequence change creates a premature translational stop signal (p.Glu328*) in the ABCA4 gene. It is expected to result in an absent or disrupted protein product. Loss-of-function variants in ABCA4 are known to be pathogenic (PMID: 10958761, 24938718, 25312043, 26780318).

Blueprint Genetics
Classification: Pathogenic for ABCA4-related disorders. Last evaluated: 2021-12-03. Review status: criteria provided, single submitter. Criteria: ACMG Guidelines, 2015. Collection method: clinical testing. Allele origin: germline. Affected: yes. Observed: 2 variant alleles.

Mendelics
Classification: Pathogenic for Severe early-childhood-onset retinal dystrophy. Last evaluated: 2019-05-28. Review status: criteria provided, single submitter. Criteria: Mendelics Assertion Criteria 2017. Collection method: clinical testing. Allele origin: unknown.

Retina International
No classification provided. Review status: no classification provided. Collection method: not provided. Allele origin: not provided. Not counted in ClinVar's aggregate classification.

Literature cited by the submitters: PubMed 23755871 (cited by Labcorp Genetics (formerly Invitae), Labcorp); PubMed 28365912 (cited by Labcorp Genetics (formerly Invitae), Labcorp); PubMed 32619608 (cited by Labcorp Genetics (formerly Invitae), Labcorp); PubMed 10958761 (cited by Labcorp Genetics (formerly Invitae), Labcorp); PubMed 24938718 (cited by Labcorp Genetics (formerly Invitae), Labcorp); PubMed 25312043 (cited by Labcorp Genetics (formerly Invitae), Labcorp); PubMed 26780318 (cited by Labcorp Genetics (formerly Invitae), Labcorp).